The following is an entry in ClinVar:

ClinVar aggregate classification (germline): Uncertain significance (1 of 4 stars; one submission).

Conditions:
NOTCH2-related disorder. Also called: NOTCH2-related condition.

gnomAD v4.1: 7 of 1,614,096 alleles (0.00043%); highest among the groups gnomAD compares: Non-Finnish European, 0.00059%; no homozygotes.

Submission:

PreventionGenetics, part of Exact Sciences
Classification: Uncertain significance for NOTCH2-related condition. Last evaluated: 2025-10-21. Review status: criteria provided, single submitter. Criteria: ACMG Guidelines, 2015. Collection method: clinical testing. Allele origin: germline.
Comment: The NOTCH2 c.7208G>T variant is predicted to result in the amino acid substitution p.Ser2403Ile. To our knowledge, this variant has not been reported in the literature. This variant is reported in 0.0018% of alleles in individuals of European (Non-Finnish) descent in gnomAD. At this time, the clinical significance of this variant is uncertain due to the absence of conclusive functional and genetic evidence.

NM_024408.4(NOTCH2):c.7208G>T (p.Ser2403Ile)

Gene: NOTCH2 (notch receptor 2; minus strand). Cytogenetic location: 1p12.
Variant type: single nucleotide variant.
Coding change: c.7208G>T on transcript NM_024408.4 (MANE Select); coding-DNA position 7208, G replaced by T.
Protein change: p.Ser2403Ile; replaces serine 2403 with isoleucine.
Molecular consequence: missense variant.
Genome position (GRCh38, 1-based): chr1:119,915,514, C>A on the plus strand (G>T on the coding strand, the complement: NOTCH2 is on the minus strand). VCF-style: chr1-119915514-C-A. GRCh37 (hg19) VCF-style: chr1-120458137-C-A.
Other names: short protein forms S2403I.
Identifiers: ClinVar variation 4994576 (VCV004994576.1).
Genomic context (GRCh38, chr1:119,915,514, plus strand): 5'-TCAGGAGACTCTGGGGATGGTGTCAGGTAGGGATGCTCACCCTGGAGGTGACCACTGTGA[C>A]TGGGTGTTCGCTCAGCAGCATTTGAGGAAGCATAACTGTGCTGTGAAGGGGGTGTGGGGT-3'
Protein context (NP_077719.2, residues 2393-2413): ASSNAAERTP[Ser2403Ile]HSGHLQGEHP